The following is an entry in ClinVar:

NM_004304.5(ALK):c.349C>T (p.Pro117Ser)

Gene: ALK (ALK receptor tyrosine kinase; minus strand). Cytogenetic location: 2p23.1.
Variant type: single nucleotide variant.
Coding change: c.349C>T on transcript NM_004304.5 (MANE Select); coding-DNA position 349, C replaced by T.
Protein change: p.Pro117Ser; replaces proline 117 with serine.
Molecular consequence: missense variant.
Genome position (GRCh38, 1-based): chr2:29,920,311, G>A on the plus strand (C>T on the coding strand, the complement: ALK is on the minus strand). VCF-style: chr2-29920311-G-A. GRCh37 (hg19) VCF-style: chr2-30143177-G-A.
Other names: short protein forms P117S.
Identifiers: ClinVar variation 641850 (VCV000641850.9), dbSNP rs1289331589, ClinGen allele CA346590212.
Genomic context (GRCh38, chr2:29,920,311, plus strand): 5'-GCCGGAGCTTGCGCACGGAGCCGCCCTTCAGCACCCTGGACAGCGTCCGGGCCTCTGCCG[G>A]GGCTGGTGAACCGGCGGTCCAGGAGACCCCCGGCGCCGGCCCCAGCAACCTGAGCAGCGG-3'
Protein context (NP_004295.2, residues 107-127): GVSWTAGSPA[Pro117Ser]AEARTLSRVL

ClinVar aggregate classification (germline): Uncertain significance. Review status: criteria provided, multiple submitters, no conflicts (2 of 4 stars). 2 submissions from 2 submitters: Uncertain significance (2). Last evaluated 2025-09-02.

Conditions:
Hereditary cancer-predisposing syndrome. Also called: Neoplastic Syndromes, Hereditary; Hereditary Cancer Syndrome; Hereditary neoplastic syndrome; Tumor predisposition. Identifiers: Orphanet 140162, MedGen C0027672, MeSH D009386, MONDO:0015356.
Neuroblastoma, susceptibility to, 3. Also called: ALK-Related Neuroblastic Tumor Susceptibility. Identifiers: Orphanet 635, MedGen C2751681, MONDO:0013083, OMIM 613014.

Allele frequency attached by ClinVar (database versions not stated): gnomAD exomes 0.00001.
gnomAD v4.1: 1 of 1,558,974 alleles (0.000064%); highest among the groups gnomAD compares: Non-Finnish European, 0.000087%; no homozygotes.

Submissions (2):

Ambry Genetics
Classification: Uncertain significance for Hereditary cancer-predisposing syndrome. Last evaluated: 2025-09-02. Review status: criteria provided, single submitter. Criteria: Ambry Variant Classification Scheme 2023. Collection method: clinical testing. Allele origin: germline.
Comment: The p.P117S variant (also known as c.349C>T), located in coding exon 1 of the ALK gene, results from a C to T substitution at nucleotide position 349. The proline at codon 117 is replaced by serine, an amino acid with similar properties. This amino acid position is conserved. In addition, this alteration is predicted to be tolerated by in silico analysis. Based on the available evidence, the clinical significance of this variant remains unclear.

Labcorp Genetics (formerly Invitae), Labcorp
Classification: Uncertain significance for Neuroblastoma, susceptibility to, 3. Last evaluated: 2024-09-22. Review status: criteria provided, single submitter. Criteria: Invitae Variant Classification Sherloc (09022015). Collection method: clinical testing. Allele origin: germline.
Comment: This sequence change replaces proline, which is neutral and non-polar, with serine, which is neutral and polar, at codon 117 of the ALK protein (p.Pro117Ser). This variant is present in population databases (no rsID available, gnomAD 0.002%). This variant has not been reported in the literature in individuals affected with ALK-related conditions. ClinVar contains an entry for this variant (Variation ID: 641850). An algorithm developed to predict the effect of missense changes on protein structure and function (PolyPhen-2) suggests that this variant is likely to be tolerated. In summary, the available evidence is currently insufficient to determine the role of this variant in disease. Therefore, it has been classified as a Variant of Uncertain Significance.